The following is an entry in ClinVar:

ClinVar aggregate classification (germline): Uncertain significance (1 of 4 stars; one submission).

Conditions:
Dilated cardiomyopathy 1D. Identifiers: Orphanet 154, Orphanet 54260, MedGen C1832243, MONDO:0011095, OMIM 601494.
Cardiomyopathy, familial restrictive, 3. Identifiers: Orphanet 75249, MedGen C2676271, MONDO:0012900, OMIM 612422.
Hypertrophic cardiomyopathy 2. Also called: TNNT2-Related Familial Hypertrophic Cardiomyopathy. Identifiers: MedGen C1861864, MONDO:0007266, OMIM 115195.

Submission:

Labcorp Genetics (formerly Invitae), Labcorp
Classification: Uncertain significance for Cardiomyopathy, familial restrictive, 3; Hypertrophic cardiomyopathy 2; Dilated cardiomyopathy 1D. Last evaluated: 2022-09-10. Review status: criteria provided, single submitter. Criteria: Invitae Variant Classification Sherloc (09022015). Collection method: clinical testing. Allele origin: germline.
Comment: In summary, the available evidence is currently insufficient to determine the role of this variant in disease. Therefore, it has been classified as a Variant of Uncertain Significance. This variant disrupts the p.Phe87 amino acid residue in TNNT2. Other variant(s) that disrupt this residue have been determined to be pathogenic (PMID: 20038417). This suggests that this residue is clinically significant, and that variants that disrupt this residue are likely to be disease-causing. Experimental studies and prediction algorithms are not available or were not evaluated, and the functional significance of this variant is currently unknown. This variant has not been reported in the literature in individuals affected with TNNT2-related conditions. This variant is not present in population databases (gnomAD no frequency). This variant, c.260_263delinsCTCTCCATCCCCGATGGAGAGAGAG, is a complex sequence change that results in the deletion of 2 and insertion of 9 amino acid(s) in the TNNT2 protein (p.Phe87_Asp88delinsSerLeuHisProArgTrpArgGluSer).

Literature cited by the submitters: PubMed 20038417.

NM_001276345.2(TNNT2):c.290_293delinsCTCTCCATCCCCGATGGAGAGAGAG (p.Phe97_Asp98delinsSerLeuHisProArgTrpArgGluSer)

Gene: TNNT2 (troponin T2, cardiac type; minus strand). Cytogenetic location: 1q32.1.
Variant type: Indel.
Coding change: c.290_293delinsCTCTCCATCCCCGATGGAGAGAGAG on transcript NM_001276345.2 (MANE Select); coding-DNA positions 290 to 293, TTGA replaced by CTCTCCATCCCCGATGGAGAGAGAG.
Protein change: p.Phe97_Asp98delinsSerLeuHisProArgTrpArgGluSer.
Molecular consequence: inframe indel.
Genome position (GRCh38, 1-based): chr1:201,365,611-201,365,614, TCAA replaced by CTCTCTCTCCATCGGGGATGGAGAG on the plus strand (TTGA replaced by CTCTCCATCCCCGATGGAGAGAGAG on the coding strand, the reverse complement: TNNT2 is on the minus strand). VCF-style: chr1-201365611-TCAA-CTCTCTCTCCATCGGGGATGGAGAG. GRCh37 (hg19) VCF-style: chr1-201334739-TCAA-CTCTCTCTCCATCGGGGATGGAGAG.
Other names: c.290_293delinsCTCTCCATCCCCGATGGAGAGAGAG, p.Phe97_Asp98delinsSerLeuHisProArgTrpArgGluSer (NM_000364.4); c.260_263delinsCTCTCCATCCCCGATGGAGAGAGAG, p.Phe87_Asp88delinsSerLeuHisProArgTrpArgGluSer (NM_001001430.3, NM_001001431.3, NM_001276347.2); c.245_248delinsCTCTCCATCCCCGATGGAGAGAGAG, p.Phe82_Asp83delinsSerLeuHisProArgTrpArgGluSer (NM_001001432.3); c.287_290delinsCTCTCCATCCCCGATGGAGAGAGAG, p.Phe96_Asp97delinsSerLeuHisProArgTrpArgGluSer (NM_001276346.2); c.290_293delTTGAinsCTCTCCATCCCCGATGGAGAGAGAG, p.Phe97_Asp98delinsSerLeuHisProArgTrpArgGluSer (NM_001406723.1); c.260_263delTTGAinsCTCTCCATCCCCGATGGAGAGAGAG, p.Phe87_Asp88delinsSerLeuHisProArgTrpArgGluSer (NM_001406724.1, NM_001406726.1, NM_001406727.1); c.257_260delTTGAinsCTCTCCATCCCCGATGGAGAGAGAG, p.Phe86_Asp87delinsSerLeuHisProArgTrpArgGluSer (NM_001406725.1); c.245_248delTTGAinsCTCTCCATCCCCGATGGAGAGAGAG, p.Phe82_Asp83delinsSerLeuHisProArgTrpArgGluSer (NM_001406728.1).
Identifiers: ClinVar variation 2023506 (VCV002023506.4), dbSNP rs2527024798, ClinGen allele CA2580061936.